The following is an entry in ClinVar:

ClinVar aggregate classification (germline): Uncertain significance (1 of 4 stars; one submission).

Submission:

Ambry Genetics
Classification: Uncertain significance. Last evaluated: 2025-01-13. Review status: criteria provided, single submitter. Criteria: Ambry Variant Classification Scheme 2023. Collection method: clinical testing. Allele origin: germline.
Comment: The p.S393P variant (also known as c.1177T>C), located in coding exon 1 of the TET2 gene, results from a T to C substitution at nucleotide position 1177. The serine at codon 393 is replaced by proline, an amino acid with similar properties. This amino acid position is conserved. In addition, this alteration is predicted to be tolerated by in silico analysis. Based on the available evidence, the clinical significance of this variant remains unclear.

NM_001127208.3(TET2):c.1177T>C (p.Ser393Pro)

Genes: TET2 (tet methylcytosine dioxygenase 2; plus strand), TET2-AS1 (TET2 antisense RNA 1; minus strand). Cytogenetic location: 4q24.
Variant type: single nucleotide variant.
Coding change: c.1177T>C on transcript NM_001127208.3 (MANE Select); coding-DNA position 1177, T replaced by C.
Protein change: p.Ser393Pro; replaces serine 393 with proline.
Molecular consequence: missense variant.
Genome position (GRCh38, 1-based): chr4:105,235,119, T>C. VCF-style: chr4-105235119-T-C. GRCh37 (hg19) VCF-style: chr4-106156276-T-C.
Other names: c.1177T>C, p.Ser393Pro (NM_017628.4); short protein forms S393P.
Identifiers: ClinVar variation 3805953 (VCV003805953.1).